The following is an entry in ClinVar:

NM_016616.5(NME8):c.652A>T (p.Thr218Ser)

Gene: NME8 (NME/NM23 family member 8; plus strand). Cytogenetic location: 7p14.1.
Variant type: single nucleotide variant.
Coding change: c.652A>T on transcript NM_016616.5 (MANE Select); coding-DNA position 652, A replaced by T.
Protein change: p.Thr218Ser; replaces threonine 218 with serine.
Molecular consequence: missense variant.
Genome position (GRCh38, 1-based): chr7:37,867,732, A>T. VCF-style: chr7-37867732-A-T. GRCh37 (hg19) VCF-style: chr7-37907334-A-T.
Other names: short protein forms T218S.
Identifiers: ClinVar variation 2694862 (VCV002694862.3), dbSNP rs2483631775, ClinGen allele CA367222808.

ClinVar aggregate classification (germline): Uncertain significance (1 of 4 stars; one submission).

Conditions:
Primary ciliary dyskinesia 6. Also called: Primary Ciliary Dyskinesia 6: TXNDC3-Related Primary Ciliary Dyskinesia. Identifiers: Orphanet 244, MedGen C1970506, MONDO:0012571, OMIM 610852.

Submission:

Labcorp Genetics (formerly Invitae), Labcorp
Classification: Uncertain significance for Primary ciliary dyskinesia 6. Last evaluated: 2023-11-18. Review status: criteria provided, single submitter. Criteria: Invitae Variant Classification Sherloc (09022015). Collection method: clinical testing. Allele origin: germline.
Comment: This sequence change replaces threonine, which is neutral and polar, with serine, which is neutral and polar, at codon 218 of the NME8 protein (p.Thr218Ser). This variant is not present in population databases (gnomAD no frequency). This variant has not been reported in the literature in individuals affected with NME8-related conditions. Advanced modeling of protein sequence and biophysical properties (such as structural, functional, and spatial information, amino acid conservation, physicochemical variation, residue mobility, and thermodynamic stability) performed at Invitae indicates that this missense variant is not expected to disrupt NME8 protein function with a negative predictive value of 80%. In summary, the available evidence is currently insufficient to determine the role of this variant in disease. Therefore, it has been classified as a Variant of Uncertain Significance.